The following is an entry in ClinVar:

ClinVar aggregate classification (germline): Conflicting classifications of pathogenicity. Review status: criteria provided, conflicting classifications (1 of 4 stars). 2 submissions from 2 submitters: Pathogenic (1); Uncertain significance (1). Last evaluated 2024-08-05.

Conditions:
Ectodermal dysplasia 10A, hypohidrotic/hair/nail type, autosomal dominant (ECTD10A). Also called: Ectodermal Dysplasia 3, Anhidrotic. Identifiers: Orphanet 1810, Orphanet 238468, MedGen C3888065, MONDO:0007509, OMIM 129490.
Autosomal recessive hypohidrotic ectodermal dysplasia syndrome. Also called: Autosomal recessive hypohidrotic ectodermal dysplasia. Identifiers: Orphanet 248, MedGen C0406702, MONDO:0016619.

Submissions (2):

Centre for Clinical Genetics and Genomic Diagnostics, Zealand University Hospital
Classification: Pathogenic. Last evaluated: 2024-08-05. Review status: criteria provided, single submitter. Criteria: ACMG Guidelines, 2015. Collection method: clinical testing. Allele origin: inherited. Affected: yes.

Labcorp Genetics (formerly Invitae), Labcorp
Classification: Uncertain significance for Ectodermal dysplasia 10A, hypohidrotic/hair/nail type, autosomal dominant; Autosomal recessive hypohidrotic ectodermal dysplasia syndrome. Last evaluated: 2021-07-26. Review status: criteria provided, single submitter. Criteria: Invitae Variant Classification Sherloc (09022015). Collection method: clinical testing. Allele origin: germline.
Comment: In summary, the available evidence is currently insufficient to determine the role of this variant in disease. Therefore, it has been classified as a Variant of Uncertain Significance. This variant disrupts the p.Cys47 amino acid residue in EDAR. Other variant(s) that disrupt this residue have been observed in individuals with EDAR-related conditions (PMID: 16435307), which suggests that this may be a clinically significant amino acid residue. Advanced modeling of protein sequence and biophysical properties (such as structural, functional, and spatial information, amino acid conservation, physicochemical variation, residue mobility, and thermodynamic stability) performed at Invitae indicates that this missense variant is expected to disrupt EDAR protein function. This variant has been observed in individual(s) with clinical features of ectodermal dysplasia (Invitae). This variant is not present in population databases (ExAC no frequency). This sequence change replaces cysteine with tryptophan at codon 47 of the EDAR protein (p.Cys47Trp). The cysteine residue is highly conserved and there is a large physicochemical difference between cysteine and tryptophan.

Literature cited by the submitters: PubMed 16435307 (cited by Labcorp Genetics (formerly Invitae), Labcorp).

NM_022336.4(EDAR):c.141C>G (p.Cys47Trp)

Genes: EDAR (ectodysplasin A receptor; minus strand), RANBP2 (RAN binding protein 2; plus strand). Cytogenetic location: 2q13.
Variant type: single nucleotide variant.
Coding change: c.141C>G on transcript NM_022336.4 (MANE Select); coding-DNA position 141, C replaced by G.
Protein change: p.Cys47Trp; replaces cysteine 47 with tryptophan.
Molecular consequence: missense variant.
Genome position (GRCh38, 1-based): chr2:108,930,153, G>C on the plus strand (C>G on the coding strand, the complement: EDAR is on the minus strand). VCF-style: chr2-108930153-G-C. GRCh37 (hg19) VCF-style: chr2-109546609-G-C.
Other names: short protein forms C47W.
Identifiers: ClinVar variation 1397147 (VCV001397147.9), dbSNP rs1697337524, ClinGen allele CA348116003.